The following is an entry in ClinVar:

ClinVar aggregate classification (germline): Likely benign. Review status: criteria provided, multiple submitters, no conflicts (2 of 4 stars). 5 submissions from 5 submitters: Likely benign (5). Last evaluated 2023-12-01.

Conditions:
Cardiovascular phenotype. Identifiers: MedGen CN230736.
Cardiomyopathy (CMYO). Also called: Cardiomyopathies. Identifiers: Orphanet 167848, MedGen C0878544, MONDO:0004994, HP:0001638. Inheritance: Various modes of inheritance.
Hypertrophic cardiomyopathy. Also called: HYPERTROPHIC MYOCARDIOPATHY. Identifiers: Orphanet 217569, MedGen C0007194, MeSH D002312, MONDO:0005045, HP:0001639.

Allele frequency attached by ClinVar (database versions not stated): TOPMed below 0.00001; gnomAD 0.00001; gnomAD exomes 0.00001.
gnomAD v4.1: 18 of 1,552,220 alleles (0.0012%); highest among the groups gnomAD compares: South Asian, 0.012%; no homozygotes.

Submissions (5):

Labcorp Genetics (formerly Invitae), Labcorp
Classification: Likely benign for Hypertrophic cardiomyopathy. Last evaluated: 2023-12-01. Review status: criteria provided, single submitter. Criteria: Invitae Variant Classification Sherloc (09022015). Collection method: clinical testing. Allele origin: germline.

All of Us Research Program, National Institutes of Health
Classification: Likely benign for Hypertrophic cardiomyopathy. Last evaluated: 2023-06-26. Review status: criteria provided, single submitter. Criteria: ACMG Guidelines, 2015. Collection method: clinical testing. Allele origin: germline. Inheritance: Autosomal dominant inheritance. Observed: 1 variant allele, 1 heterozygote.
Comment: This study involves interpretation of variants in research participants for the purpose of population health screening. Participant phenotype was not available at the time of variant classification. Additional details can be found in publication PMID: 35346344, PMCID: PMC8962531

Ambry Genetics
Classification: Likely benign for Cardiovascular phenotype. Last evaluated: 2019-10-29. Review status: criteria provided, single submitter. Criteria: Ambry Variant Classification Scheme 2023. Collection method: clinical testing. Allele origin: germline.

Blueprint Genetics
Classification: Likely benign. Last evaluated: 2019-09-12. Review status: criteria provided, single submitter. Criteria: ACMG Guidelines, 2015. Collection method: clinical testing. Allele origin: germline.

Color Diagnostics, LLC DBA Color Health
Classification: Likely benign for Cardiomyopathy. Last evaluated: 2018-12-31. Review status: criteria provided, single submitter. Criteria: ACMG Guidelines, 2015. Collection method: clinical testing. Allele origin: germline.

NM_000256.3(MYBPC3):c.2328G>A (p.Ala776=)

Gene: MYBPC3 (myosin binding protein C3; minus strand). Cytogenetic location: 11p11.2.
Variant type: single nucleotide variant.
Coding change: c.2328G>A on transcript NM_000256.3 (MANE Select); coding-DNA position 2328, G replaced by A.
Protein change: p.Ala776=; no amino-acid change (alanine 776 retained).
Molecular consequence: synonymous variant.
Genome position (GRCh38, 1-based): chr11:47,337,775, C>T on the plus strand (G>A on the coding strand, the complement: MYBPC3 is on the minus strand). VCF-style: chr11-47337775-C-T. GRCh37 (hg19) VCF-style: chr11-47359326-C-T.
Identifiers: ClinVar variation 919139 (VCV000919139.13), dbSNP rs1448521968, ClinGen allele CA474216495.
Genomic context (GRCh38, chr11:47,337,775, plus strand): 5'-GGCAGGCGGCTCCCACTGTACTGTGCAGGAGTCCTCTCCCACGTTGCTGATCTTGGGGGC[C>T]GCAGGTGCGTCTGGCACGTCTGGATGGGGTGGGATGGACCCACATCAGCCCTGCCCCGCT-3'
Protein context (NP_000247.2, residues 766-786): VKVIDVPDAP[Ala776=]APKISNVGED